The following is an entry in ClinVar:

NM_001111.5(ADAR):c.2966A>G (p.Tyr989Cys)

Gene: ADAR (adenosine deaminase RNA specific; minus strand). Cytogenetic location: 1q21.3.
Variant type: single nucleotide variant.
Coding change: c.2966A>G on transcript NM_001111.5 (MANE Select); coding-DNA position 2966, A replaced by G.
Protein change: p.Tyr989Cys; replaces tyrosine 989 with cysteine.
Molecular consequence: missense variant.
Genome position (GRCh38, 1-based): chr1:154,588,178, T>C on the plus strand (A>G on the coding strand, the complement: ADAR is on the minus strand). VCF-style: chr1-154588178-T-C. GRCh37 (hg19) VCF-style: chr1-154560654-T-C.
Other names: c.2081A>G, p.Tyr694Cys (NM_001025107.3, NM_001193495.2, NM_001365046.1 and 2 more transcripts); c.2993A>G, p.Tyr998Cys (NM_001365045.1); c.2003A>G, p.Tyr668Cys (NM_001365049.1); c.2888A>G, p.Tyr963Cys (NM_015840.4); c.2831A>G, p.Tyr944Cys (NM_015841.4); short protein forms Y668C, Y963C, Y989C, Y694C, Y998C, Y944C.
Identifiers: ClinVar variation 2189853 (VCV002189853.4), dbSNP rs775166983, ClinGen allele CA1131092.
Genomic context (GRCh38, chr1:154,588,178, plus strand): 5'-CACTCACCGTTCTCCACCTTGGTGCGGAGCTTTCCTTGTTTGGGATTCTCGAAGACAGGG[T>C]AGTGGCGGGATTCTGTGCTTTCCATAGCACGGTCGCTGCAGGACTTGTCAAAGAGGGCGC-3'
Protein context (NP_001102.3, residues 979-999): RAMESTESRH[Tyr989Cys]PVFENPKQGK

ClinVar aggregate classification (germline): Uncertain significance (1 of 4 stars; one submission).

Conditions:
Symmetrical dyschromatosis of extremities (DSH). Also called: RETICULATE ACROPIGMENTATION OF DOHI; SYMMETRIC DYSCHROMATOSIS OF THE EXTREMITIES; Dyschromatosis symmetrica hereditaria; DYSCHROMATOSIS SYMMETRICA HEREDITARIA 1. Identifiers: Orphanet 41, MedGen C0406775, MONDO:0007483, OMIM 127400.
Aicardi-Goutieres syndrome 6 (AGS6). Identifiers: Orphanet 51, MedGen C3539013, MONDO:0014007, OMIM 615010.

Allele frequency attached by ClinVar (database versions not stated): gnomAD 0.00002; TOPMed below 0.00001; ExAC 0.00001.
gnomAD v4.1: 3 of 1,613,796 alleles (0.00019%); highest among the groups gnomAD compares: African/African-American, 0.004%; no homozygotes.

Submission:

Labcorp Genetics (formerly Invitae), Labcorp
Classification: Uncertain significance for Aicardi-Goutieres syndrome 6; Symmetrical dyschromatosis of extremities. Last evaluated: 2025-12-02. Review status: criteria provided, single submitter. Criteria: Invitae Variant Classification Sherloc (09022015). Collection method: clinical testing. Allele origin: germline.
Comment: This sequence change replaces tyrosine, which is neutral and polar, with cysteine, which is neutral and slightly polar, at codon 989 of the ADAR protein (p.Tyr989Cys). This variant is present in population databases (rs775166983, gnomAD 0.007%). This variant has not been reported in the literature in individuals affected with ADAR-related conditions. ClinVar contains an entry for this variant (Variation ID: 2189853). Invitae Evidence Modeling of protein sequence and biophysical properties (such as structural, functional, and spatial information, amino acid conservation, physicochemical variation, residue mobility, and thermodynamic stability) indicates that this missense variant is not expected to disrupt ADAR protein function with a negative predictive value of 80%. In summary, the available evidence is currently insufficient to determine the role of this variant in disease. Therefore, it has been classified as a Variant of Uncertain Significance.